The following is an entry in ClinVar:

ClinVar aggregate classification (germline): Uncertain significance (1 of 4 stars; one submission).

Conditions:
Myofibrillar myopathy 6. Identifiers: Orphanet 199340, MedGen C2751831, MONDO:0013061, OMIM 612954.
Dilated cardiomyopathy 1HH (CMD1HH). Identifiers: Orphanet 154, MedGen C3151293, MONDO:0013479, OMIM 613881.

Submission:

Labcorp Genetics (formerly Invitae), Labcorp
Classification: Uncertain significance for Dilated cardiomyopathy 1HH; Myofibrillar myopathy 6. Last evaluated: 2022-04-09. Review status: criteria provided, single submitter. Criteria: Invitae Variant Classification Sherloc (09022015). Collection method: clinical testing. Allele origin: germline.
Comment: This sequence change replaces glutamine, which is neutral and polar, with histidine, which is basic and polar, at codon 316 of the BAG3 protein (p.Gln316His). This variant is not present in population databases (gnomAD no frequency). This variant has not been reported in the literature in individuals affected with BAG3-related conditions. Algorithms developed to predict the effect of missense changes on protein structure and function are either unavailable or do not agree on the potential impact of this missense change (SIFT: "Deleterious"; PolyPhen-2: "Benign"; Align-GVGD: "Class C0"). In summary, the available evidence is currently insufficient to determine the role of this variant in disease. Therefore, it has been classified as a Variant of Uncertain Significance.

NM_004281.4(BAG3):c.948G>T (p.Gln316His)

Gene: BAG3 (BAG cochaperone 3; plus strand). Cytogenetic location: 10q26.11.
Variant type: single nucleotide variant.
Coding change: c.948G>T on transcript NM_004281.4 (MANE Select); coding-DNA position 948, G replaced by T.
Protein change: p.Gln316His; replaces glutamine 316 with histidine.
Molecular consequence: missense variant.
Genome position (GRCh38, 1-based): chr10:119,676,502, G>T. VCF-style: chr10-119676502-G-T. GRCh37 (hg19) VCF-style: chr10-121436014-G-T.
Other names: short protein forms Q316H.
Identifiers: ClinVar variation 2120674 (VCV002120674.4), dbSNP rs2494022332, ClinGen allele CA378296322.